The following is an entry in ClinVar:

NM_000321.3(RB1):c.273T>C (p.Tyr91=)

Gene: RB1 (RB transcriptional corepressor 1; plus strand). Cytogenetic location: 13q14.2.
Variant type: single nucleotide variant.
Coding change: c.273T>C on transcript NM_000321.3 (MANE Select); coding-DNA position 273, T replaced by C.
Protein change: p.Tyr91=; no amino-acid change (tyrosine 91 retained).
Molecular consequence: synonymous variant.
Genome position (GRCh38, 1-based): chr13:48,342,607, T>C. VCF-style: chr13-48342607-T-C. GRCh37 (hg19) VCF-style: chr13-48916743-T-C.
Identifiers: ClinVar variation 458160 (VCV000458160.25), dbSNP rs750136284, ClinGen allele CA037393.
Genomic context (GRCh38, chr13:48,342,607, plus strand): 5'-CCAGTGTGTGAATTATTTAATGAAATATTTGATCTTTATTTTTTGTTCCCAGGGAGGTTA[T>C]ATTCAAAAGAAAAAGGAACTGTGGGGAATCTGTATCTTTATTGCAGCAGTTGACCTAGAT-3'
Protein context (NP_000312.2, residues 81-101): VSSVDGVLGG[Tyr91=]IQKKKELWGI

ClinVar aggregate classification (germline): Conflicting classifications of pathogenicity. Review status: criteria provided, conflicting classifications (1 of 4 stars). 7 submissions from 7 submitters: Uncertain significance (1); Benign (1); Likely benign (5). Last evaluated 2026-06-23.

Conditions:
Hereditary cancer-predisposing syndrome. Also called: Hereditary neoplastic syndrome; Neoplastic Syndromes, Hereditary; Hereditary Cancer Syndrome; Tumor predisposition. Identifiers: Orphanet 140162, MedGen C0027672, MeSH D009386, MONDO:0015356.
Retinoblastoma (RB1). Also called: RETINOBLASTOMA, SOMATIC. Identifiers: Orphanet 790, MedGen C0035335, MeSH D012175, MONDO:0008380, OMIM 180200, HP:0009919. Disease mechanism: loss of function. Inheritance: Both sporadic and heritable forms are tested..

Allele frequency attached by ClinVar (database versions not stated): ExAC 0.00001; gnomAD 0.00001; gnomAD exomes 0.00001 and 0.00004; TOPMed 0.00002.
gnomAD v4.1: 61 of 1,594,342 alleles (0.0038%); highest among the groups gnomAD compares: Non-Finnish European, 0.005%; no homozygotes.

Submissions (7):

Myriad Genetics, Inc.
Classification: Benign for Retinoblastoma. Last evaluated: 2026-06-23. Review status: criteria provided, single submitter. Criteria: Myriad Autosomal Dominant, Autosomal Recessive and X-Linked Classification Criteria (2023). Collection method: clinical testing. Allele origin: unknown.
Comment: This variant is considered benign. This variant is a silent/synonymous amino acid change and it is not expected to impact splicing.

Labcorp Genetics (formerly Invitae), Labcorp
Classification: Likely benign for Retinoblastoma. Last evaluated: 2026-01-19. Review status: criteria provided, single submitter. Criteria: Invitae Variant Classification Sherloc (09022015). Collection method: clinical testing. Allele origin: germline.

CeGaT Center for Human Genetics Tuebingen
Classification: Likely benign. Last evaluated: 2025-11-01. Review status: criteria provided, single submitter. Criteria: CeGaT Center For Human Genetics Tuebingen Variant Classification Criteria Version 2. Collection method: clinical testing. Allele origin: germline. Affected: yes. Observed: 1 variant allele.
Comment: RB1: BP4, BP7

All of Us Research Program, National Institutes of Health
Classification: Likely benign for Retinoblastoma. Last evaluated: 2023-12-13. Review status: criteria provided, single submitter. Criteria: ACMG Guidelines, 2015. Collection method: clinical testing. Allele origin: germline. Inheritance: Autosomal dominant inheritance. Observed: 6 variant alleles, 6 heterozygotes.
Comment: This study involves interpretation of variants in research participants for the purpose of population health screening. Participant phenotype was not available at the time of variant classification. Additional details can be found in publication PMID: 35346344, PMCID: PMC8962531

Color Diagnostics, LLC DBA Color Health
Classification: Likely benign for Retinoblastoma. Last evaluated: 2022-04-25. Review status: criteria provided, single submitter. Criteria: ACMG Guidelines, 2015. Collection method: clinical testing. Allele origin: germline.

GeneDx
Classification: Uncertain significance. Last evaluated: 2022-02-28. Review status: criteria provided, single submitter. Criteria: GeneDx Variant Classification Process June 2021. Collection method: clinical testing. Allele origin: germline. Affected: yes.
Comment: Not observed at significant frequency in large population cohorts (gnomAD); In silico analysis supports that this variant does not alter splicing; Has not been previously published as pathogenic or benign to our knowledge

Ambry Genetics
Classification: Likely benign for Hereditary cancer-predisposing syndrome. Last evaluated: 2017-11-08. Review status: criteria provided, single submitter. Criteria: Ambry Variant Classification Scheme 2023. Collection method: clinical testing. Allele origin: germline.